The following is an entry in ClinVar:

ClinVar aggregate classification (germline): Conflicting classifications of pathogenicity. Review status: criteria provided, conflicting classifications (1 of 4 stars). 4 submissions from 4 submitters: Uncertain significance (2); Likely benign (1). 1 of the submissions does not count toward it. Last evaluated 2025-08-18.

Conditions:
CA2-related disorder. Also called: CA2-related condition.
Osteopetrosis with renal tubular acidosis (OPTB3). Also called: Autosomal recessive osteopetrosis 3. Identifiers: Orphanet 2785, MedGen C0345407, MONDO:0009818, OMIM 259730.

Allele frequency attached by ClinVar (database versions not stated): gnomAD 0.00012; TOPMed 0.00013; ESP Exome Variant Server 0.00038.
gnomAD v4.1: 264 of 1,611,702 alleles (0.016%); highest among the groups gnomAD compares: Non-Finnish European, 0.022%; no homozygotes.

Submissions (4):

Labcorp Genetics (formerly Invitae), Labcorp
Classification: Likely benign. Last evaluated: 2025-08-18. Review status: criteria provided, single submitter. Criteria: Invitae Variant Classification Sherloc (09022015). Collection method: clinical testing. Allele origin: germline.

Fulgent Genetics
Classification: Uncertain significance for Osteopetrosis with renal tubular acidosis. Last evaluated: 2024-06-01. Review status: criteria provided, single submitter. Criteria: ACMG Guidelines, 2015. Collection method: clinical testing. Allele origin: germline.

Eurofins Ntd Llc (ga)
Classification: Uncertain significance. Last evaluated: 2015-05-28. Review status: criteria provided, single submitter. Criteria: EGL Classification Definitions 2015. Collection method: clinical testing. Allele origin: germline. Observed: 1 variant allele, 1 heterozygote.

PreventionGenetics, part of Exact Sciences
Classification: Likely benign for CA2-related condition. Last evaluated: 2024-04-17. Review status: no assertion criteria provided. Collection method: clinical testing. Allele origin: germline. Not counted in ClinVar's aggregate classification.
Comment: This variant is classified as likely benign based on ACMG/AMP sequence variant interpretation guidelines (Richards et al. 2015 PMID: 25741868, with internal and published modifications).

NM_000067.3(CA2):c.35-7C>A

Gene: CA2 (carbonic anhydrase 2; plus strand). Cytogenetic location: 8q21.2.
Variant type: single nucleotide variant.
Coding change: c.35-7C>A on transcript NM_000067.3 (MANE Select); 7 bases into the intron before coding-DNA position 35, C replaced by A.
Molecular consequence: intron variant.
Genome position (GRCh38, 1-based): chr8:85,465,265, C>A. VCF-style: chr8-85465265-C-A. GRCh37 (hg19) VCF-style: chr8-86377494-C-A.
Other names: c.-150-7C>A (NM_001293675.2).
Identifiers: ClinVar variation 195010 (VCV000195010.16), dbSNP rs371766356, ClinGen allele CA241271.